The following is an entry in ClinVar:

ClinVar aggregate classification (germline): Conflicting classifications of pathogenicity. Review status: criteria provided, conflicting classifications (1 of 4 stars). 4 submissions from 4 submitters: Uncertain significance (3); Likely benign (1). Last evaluated 2026-04-25.

Conditions:
Hereditary cancer-predisposing syndrome. Also called: Tumor predisposition; Hereditary neoplastic syndrome; Neoplastic Syndromes, Hereditary; Hereditary Cancer Syndrome. Identifiers: Orphanet 140162, MedGen C0027672, MeSH D009386, MONDO:0015356.
Gorlin syndrome. Also called: Nevoid Basal Cell Carcinoma Syndrome; Basal cell nevus syndrome. Identifiers: Orphanet 377, MedGen C0004779, MONDO:0007187.
PTCH1-related disorder. Also called: PTCH1-related disorders; PTCH1-related condition.

Allele frequency attached by ClinVar (database versions not stated): gnomAD exomes 0.00001; gnomAD 0.00002; ExAC 0.00004; TOPMed below 0.00001.
gnomAD v4.1: 16 of 1,611,494 alleles (0.00099%); highest among the groups gnomAD compares: Admixed American, 0.0017%; no homozygotes.

Submissions (4):

PreventionGenetics, part of Exact Sciences
Classification: Uncertain significance for PTCH1-related condition. Last evaluated: 2026-04-25. Review status: criteria provided, single submitter. Criteria: ACMG Guidelines, 2015. Collection method: clinical testing. Allele origin: germline.
Comment: The PTCH1 c.3686C>T variant is predicted to result in the amino acid substitution p.Thr1229Met. To our knowledge, this variant has not been reported in the literature. This variant is reported in 0.0030% of alleles in individuals of Latino descent in gnomAD and has conflicting interpretation of pathogenicity of uncertain significance and likely benign in ClinVar (Variation ID: 453862). At this time, the clinical significance of this variant is uncertain due to the absence of conclusive functional and genetic evidence.

Labcorp Genetics (formerly Invitae), Labcorp
Classification: Likely benign for Gorlin syndrome. Last evaluated: 2025-09-03. Review status: criteria provided, single submitter. Criteria: Invitae Variant Classification Sherloc (09022015). Collection method: clinical testing. Allele origin: germline.

Ambry Genetics
Classification: Uncertain significance for Hereditary cancer-predisposing syndrome. Last evaluated: 2025-04-28. Review status: criteria provided, single submitter. Criteria: Ambry Variant Classification Scheme 2023. Collection method: clinical testing. Allele origin: germline.
Comment: The p.T1229M variant (also known as c.3686C>T), located in coding exon 22 of the PTCH1 gene, results from a C to T substitution at nucleotide position 3686. The threonine at codon 1229 is replaced by methionine, an amino acid with similar properties. This amino acid position is highly conserved in available vertebrate species. In addition, this alteration is predicted to be deleterious by in silico analysis. Since supporting evidence is limited at this time, the clinical significance of this alteration remains unclear.

Laboratorio de Genetica e Diagnostico Molecular, Hospital Israelita Albert Einstein
Classification: Uncertain significance. Last evaluated: 2022-02-10. Review status: criteria provided, single submitter. Criteria: ACMG Guidelines, 2015. Collection method: clinical testing. Allele origin: germline. Affected: yes.

NM_000264.5(PTCH1):c.3686C>T (p.Thr1229Met)

Gene: PTCH1 (patched 1; minus strand). Cytogenetic location: 9q22.32.
Variant type: single nucleotide variant.
Coding change: c.3686C>T on transcript NM_000264.5 (MANE Select); coding-DNA position 3686, C replaced by T.
Protein change: p.Thr1229Met; replaces threonine 1229 with methionine.
Molecular consequence: missense variant. On other transcripts: non-coding transcript variant (1).
Genome position (GRCh38, 1-based): chr9:95,449,187, G>A on the plus strand (C>T on the coding strand, the complement: PTCH1 is on the minus strand). VCF-style: chr9-95449187-G-A. GRCh37 (hg19) VCF-style: chr9-98211469-G-A.
Other names: c.3488C>T, p.Thr1163Met (NM_001083602.3); c.3683C>T, p.Thr1228Met (NM_001083603.3); c.3233C>T, p.Thr1078Met (NM_001083604.3, NM_001083605.3, NM_001083606.3 and 1 more transcripts); c.3530C>T, p.Thr1177Met (NM_001354918.2); short protein forms T1229M, T1163M, T1228M, T1078M, T1177M.
Identifiers: ClinVar variation 453862 (VCV000453862.18), dbSNP rs781080456, ClinGen allele CA5138084.